The following is an entry in ClinVar:

NM_006218.4(PIK3CA):c.2368T>A (p.Ser790Thr)

Gene: PIK3CA (phosphatidylinositol-4,5-bisphosphate 3-kinase catalytic subunit alpha; plus strand). Cytogenetic location: 3q26.32.
Variant type: single nucleotide variant.
Coding change: c.2368T>A on transcript NM_006218.4 (MANE Select); coding-DNA position 2368, T replaced by A.
Protein change: p.Ser790Thr; replaces serine 790 with threonine.
Molecular consequence: missense variant.
Genome position (GRCh38, 1-based): chr3:179,224,773, T>A. VCF-style: chr3-179224773-T-A. GRCh37 (hg19) VCF-style: chr3-178942561-T-A.
Other names: short protein forms S790T.
Identifiers: ClinVar variation 4843781 (VCV004843781.1).
Genomic context (GRCh38, chr3:179,224,773, plus strand): 5'-CGAATTATGTCCTCTGCAAAAAGGCCACTGTGGTTGAATTGGGAGAACCCAGACATCATG[T>A]CAGAGTTACTGTTTCAGAACAATGAGATCATCTTTAAAAATGGGGATGGTAAGGAAGAGT-3'
Protein context (NP_006209.2, residues 780-800): WLNWENPDIM[Ser790Thr]ELLFQNNEII

ClinVar aggregate classification (germline): Uncertain significance (1 of 4 stars; one submission).

Conditions:
Inborn genetic diseases. Identifiers: MedGen C0950123, MeSH D030342.

Submission:

Ambry Genetics
Classification: Uncertain significance for Inborn genetic diseases. Last evaluated: 2025-12-22. Review status: criteria provided, single submitter. Criteria: Ambry Variant Classification Scheme 2023. Collection method: clinical testing. Allele origin: germline.
Comment: The p.S790T variant (also known as c.2368T>A), located in coding exon 15 of the PIK3CA gene, results from a T to A substitution at nucleotide position 2368. The serine at codon 790 is replaced by threonine, an amino acid with similar properties. This amino acid position is conserved. In addition, the in silico prediction for this alteration is inconclusive. Based on the available evidence, the clinical significance of this variant remains unclear.